The following is an entry in ClinVar:

NM_015346.4(ZFYVE26):c.1927del (p.Tyr643fs)

Gene: ZFYVE26 (zinc finger FYVE-type containing 26; minus strand). Cytogenetic location: 14q24.1.
Variant type: Deletion.
Coding change: c.1927del on transcript NM_015346.4 (MANE Select); coding-DNA position 1927, one base deleted (T; older notation c.1927delT).
Protein change: p.Tyr643fs; shifts the reading frame from tyrosine 643.
Molecular consequence: frameshift variant.
Genome position (GRCh38, 1-based): chr14:67,798,335, A deleted on the plus strand (T on the coding strand, the reverse complement: ZFYVE26 is on the minus strand); the first of 2 consecutive A bases (chr14:67,798,335-67,798,336); deleting either gives the same sequence. VCF-style (leftmost placement, unchanged base first): chr14-67798334-TA-T. GRCh37 (hg19) VCF-style: chr14-68265051-TA-T.
Other names: short protein forms Y643fs.
Identifiers: ClinVar variation 1726389 (VCV001726389.2), dbSNP rs2502857225, ClinGen allele CA2580088624.

ClinVar aggregate classification (germline): Likely pathogenic (1 of 4 stars; one submission).

Conditions:
Hereditary spastic paraplegia 15 (SPG15). Also called: SPASTIC PARAPLEGIA 15, AUTOSOMAL RECESSIVE; KJELLIN SYNDROME; SPASTIC PARAPLEGIA AND RETINAL DEGENERATION. Identifiers: Orphanet 100996, MedGen C1849128, MONDO:0010044, OMIM 270700.

Submission:

Myriad Genetics, Inc.
Classification: Likely pathogenic for Hereditary spastic paraplegia 15. Last evaluated: 2021-12-16. Review status: criteria provided, single submitter. Criteria: Myriad Women's Health Autosomal Recessive and X-Linked Classification Criteria (2021). Collection method: clinical testing. Allele origin: unknown.
Comment: NM_015346.3(ZFYVE26):c.1927delT(Y643Ifs*7) is expected to be pathogenic in the context of spastic paraplegia type 15. This variant is predicted to lead to an abnormal or absent protein product due to the creation of a premature termination codon in ZFYVE26, a gene where loss-of-function variants are known to be pathogenic. Please note: this variant was assessed in the context of healthy population screening.